The following is an entry in ClinVar:

ClinVar aggregate classification (germline): Uncertain significance. Review status: criteria provided, multiple submitters, no conflicts (2 of 4 stars). 2 submissions from 2 submitters: Uncertain significance (2). Last evaluated 2025-12-16.

Conditions:
Inborn genetic diseases. Identifiers: MedGen C0950123, MeSH D030342.

Allele frequency attached by ClinVar (database versions not stated): gnomAD 0.00001; gnomAD exomes 0.00002; ExAC 0.00002.
gnomAD v4.1: 14 of 1,613,824 alleles (0.00087%); highest among the groups gnomAD compares: East Asian, 0.031%; no homozygotes.

Submissions (2):

Labcorp Genetics (formerly Invitae), Labcorp
Classification: Uncertain significance. Last evaluated: 2025-12-16. Review status: criteria provided, single submitter. Criteria: Invitae Variant Classification Sherloc (09022015). Collection method: clinical testing. Allele origin: germline.
Comment: This sequence change replaces isoleucine, which is neutral and non-polar, with valine, which is neutral and non-polar, at codon 826 of the NFKB1 protein (p.Ile826Val). This variant is present in population databases (rs761606059, gnomAD 0.02%). This variant has not been reported in the literature in individuals affected with NFKB1-related conditions. ClinVar contains an entry for this variant (Variation ID: 2123670). An algorithm developed to predict the effect of missense changes on protein structure and function (PolyPhen-2) suggests that this variant is likely to be tolerated. In summary, the available evidence is currently insufficient to determine the role of this variant in disease. Therefore, it has been classified as a Variant of Uncertain Significance.

Ambry Genetics
Classification: Uncertain significance for Inborn genetic diseases. Last evaluated: 2023-08-15. Review status: criteria provided, single submitter. Criteria: Ambry Variant Classification Scheme 2023. Collection method: clinical testing. Allele origin: germline.

NM_003998.4(NFKB1):c.2476A>G (p.Ile826Val)

Gene: NFKB1 (nuclear factor kappa B subunit 1; plus strand). Cytogenetic location: 4q24.
Variant type: single nucleotide variant.
Coding change: c.2476A>G on transcript NM_003998.4 (MANE Select); coding-DNA position 2476, A replaced by G.
Protein change: p.Ile826Val; replaces isoleucine 826 with valine.
Molecular consequence: missense variant.
Genome position (GRCh38, 1-based): chr4:102,612,490, A>G. VCF-style: chr4-102612490-A-G. GRCh37 (hg19) VCF-style: chr4-103533647-A-G.
Other names: c.2476A>G (NM_003998.3); c.2473A>G, p.Ile825Val (NM_001165412.2, NM_001319226.2, NM_001382627.1); c.2476A>G, p.Ile826Val (NM_001382625.1, NM_001382626.1); c.2434A>G, p.Ile812Val (NM_001382628.1); short protein forms I812V, I825V, I826V.
Identifiers: ClinVar variation 2123670 (VCV002123670.6), dbSNP rs761606059, ClinGen allele CA3026444.